The following is an entry in ClinVar:

NM_012254.3(SLC27A5):c.347T>G (p.Phe116Cys)

Gene: SLC27A5 (solute carrier family 27 member 5; minus strand). Cytogenetic location: 19q13.43.
Variant type: single nucleotide variant.
Coding change: c.347T>G on transcript NM_012254.3 (MANE Select); coding-DNA position 347, T replaced by G.
Protein change: p.Phe116Cys; replaces phenylalanine 116 with cysteine.
Molecular consequence: missense variant.
Genome position (GRCh38, 1-based): chr19:58,511,609, A>C on the plus strand (T>G on the coding strand, the complement: SLC27A5 is on the minus strand). VCF-style: chr19-58511609-A-C. GRCh37 (hg19) VCF-style: chr19-59022976-A-C.
Other names: c.347T>G, p.Phe116Cys (NM_001321196.2); short protein forms F116C.
Identifiers: ClinVar variation 4987197 (VCV004987197.1).
Genomic context (GRCh38, chr19:58,511,609, plus strand): 5'-GTCCACACCAAGAGTGCCCTGCCAGGCTGCGCTCGTGCTCGCCGCTCGAAGGCATCTACA[A>C]AGGTGTCAGGCGGCTGCCGGCTCAAGCATCCCCTGATCTTCAGGCCCAGGTGGAGGATCT-3'
Protein context (NP_036386.1, residues 106-126): GCLSRQPPDT[Phe116Cys]VDAFERRARA

ClinVar aggregate classification (germline): Uncertain significance (1 of 4 stars; one submission).

Conditions:
SLC27A5-related disorder. Also called: SLC27A5-related condition.

Submission:

PreventionGenetics, part of Exact Sciences
Classification: Uncertain significance for SLC27A5-related condition. Last evaluated: 2026-06-01. Review status: criteria provided, single submitter. Criteria: ACMG Guidelines, 2015. Collection method: clinical testing. Allele origin: germline.
Comment: The SLC27A5 c.347T>G variant is predicted to result in the amino acid substitution p.Phe116Cys. To our knowledge, this variant has not been reported in the literature or in a large population database (gnomAD), indicating this variant is rare. At this time, the clinical significance of this variant is uncertain due to the absence of conclusive functional and genetic evidence.